The following is an entry in ClinVar:

NM_001374385.1(ATP8B1):c.501T>A (p.His167Gln)

Gene: ATP8B1 (ATPase phospholipid transporting 8B1; minus strand). Cytogenetic location: 18q21.31.
Variant type: single nucleotide variant.
Coding change: c.501T>A on transcript NM_001374385.1 (MANE Select); coding-DNA position 501, T replaced by A.
Protein change: p.His167Gln; replaces histidine 167 with glutamine.
Molecular consequence: missense variant.
Genome position (GRCh38, 1-based): chr18:57,701,092, A>T on the plus strand (T>A on the coding strand, the complement: ATP8B1 is on the minus strand). VCF-style: chr18-57701092-A-T. GRCh37 (hg19) VCF-style: chr18-55368324-A-T.
Other names: c.351T>A, p.His117Gln (NM_001374386.1); c.501T>A, p.His167Gln (NM_005603.6); short protein forms H167Q, H117Q.
Identifiers: ClinVar variation 889675 (VCV000889675.5), dbSNP rs780703474, ClinGen allele CA8974823.

ClinVar aggregate classification (germline): Uncertain significance. Review status: criteria provided, multiple submitters, no conflicts (2 of 4 stars). 2 submissions from 2 submitters: Uncertain significance (2). Last evaluated 2025-11-04.

Conditions:
ATP8B1-related disorder. Also called: ATP8B1-related condition; ATP8B1-related disorders.
Progressive familial intrahepatic cholestasis type 1. Also called: Byler's disease; BYLER DISEASE; Severe ATP8B1 Deficiency (Progressive Familial Intrahepatic Cholestasis Type 1 [PFIC1]). Identifiers: Orphanet 79306, MedGen C4551898, MONDO:0008892, OMIM 211600.

Allele frequency attached by ClinVar (database versions not stated): gnomAD exomes below 0.00001; ExAC 0.00001.
gnomAD v4.1: 4 of 1,614,056 alleles (0.00025%); highest among the groups gnomAD compares: Non-Finnish European, 0.00034%; no homozygotes.

Submissions (2):

PreventionGenetics, part of Exact Sciences
Classification: Uncertain significance for ATP8B1-related condition. Last evaluated: 2025-11-04. Review status: criteria provided, single submitter. Criteria: ACMG Guidelines, 2015. Collection method: clinical testing. Allele origin: germline.
Comment: The ATP8B1 c.501T>A variant is predicted to result in the amino acid substitution p.His167Gln. To our knowledge, this variant has not been reported in the literature. This variant is reported in 0.0015% of alleles in individuals of European (Non-Finnish) descent in gnomAD. At this time, the clinical significance of this variant is uncertain due to the absence of conclusive functional and genetic evidence.

Illumina Laboratory Services, Illumina
Classification: Uncertain significance for Progressive familial intrahepatic cholestasis type 1. Last evaluated: 2018-01-13. Review status: criteria provided, single submitter. Criteria: ICSL Variant Classification Criteria 13 December 2019. Collection method: clinical testing. Allele origin: germline.